The following is an entry in ClinVar:

ClinVar aggregate classification (germline): Uncertain significance (1 of 4 stars; one submission).

gnomAD v4.1: 1 of 1,613,836 alleles (0.000062%); highest among the groups gnomAD compares: East Asian, 0.0022%; no homozygotes.

Submission:

Labcorp Genetics (formerly Invitae), Labcorp
Classification: Uncertain significance. Last evaluated: 2021-11-02. Review status: criteria provided, single submitter. Criteria: Invitae Variant Classification Sherloc (09022015). Collection method: clinical testing. Allele origin: germline.
Comment: In summary, the available evidence is currently insufficient to determine the role of this variant in disease. Therefore, it has been classified as a Variant of Uncertain Significance. Algorithms developed to predict the effect of missense changes on protein structure and function are either unavailable or do not agree on the potential impact of this missense change (SIFT: "Deleterious"; PolyPhen-2: "Benign"; Align-GVGD: "Class C0"). This variant has not been reported in the literature in individuals affected with KIAA1549-related conditions. This variant is present in population databases (rs61978615, gnomAD 0.02%). This sequence change replaces aspartic acid, which is acidic and polar, with histidine, which is basic and polar, at codon 320 of the KIAA1549 protein (p.Asp320His).

NM_001164665.2(KIAA1549):c.958G>C (p.Asp320His)

Gene: KIAA1549 (KIAA1549; minus strand). Cytogenetic location: 7q34.
Variant type: single nucleotide variant.
Coding change: c.958G>C on transcript NM_001164665.2 (MANE Select); coding-DNA position 958, G replaced by C.
Protein change: p.Asp320His; replaces aspartic acid 320 with histidine.
Molecular consequence: missense variant.
Genome position (GRCh38, 1-based): chr7:138,918,668, C>G on the plus strand (G>C on the coding strand, the complement: KIAA1549 is on the minus strand). VCF-style: chr7-138918668-C-G. GRCh37 (hg19) VCF-style: chr7-138603414-C-G.
Other names: c.958G>C, p.Asp320His (NM_020910.3); short protein forms D320H.
Identifiers: ClinVar variation 1523426 (VCV001523426.6), dbSNP rs61978615, ClinGen allele CA4506824.